The following is an entry in ClinVar:

ClinVar aggregate classification (germline): Uncertain significance. Review status: criteria provided, multiple submitters, no conflicts (2 of 4 stars). 2 submissions from 2 submitters: Uncertain significance (2). Last evaluated 2024-10-28.

Conditions:
Intellectual developmental disorder, autosomal dominant 10. Also called: Intellectual disability, autosomal dominant 10. Identifiers: MedGen C3280284, MONDO:0013657, OMIM 614256.

Allele frequency attached by ClinVar (database versions not stated): TOPMed below 0.00001; gnomAD 0.00001.
gnomAD v4.1: 11 of 1,613,992 alleles (0.00068%); highest among the groups gnomAD compares: East Asian, 0.0022%; no homozygotes.

Submissions (2):

Laboratorio de Genetica e Diagnostico Molecular, Hospital Israelita Albert Einstein
Classification: Uncertain significance for Intellectual developmental disorder, autosomal dominant 10. Last evaluated: 2024-10-28. Review status: criteria provided, single submitter. Criteria: ACMG Guidelines, 2015. Collection method: clinical testing. Allele origin: germline. Affected: yes.
Comment: ACMG classification criteria: PM2 supporting, PP3 supporting

Ambry Genetics
Classification: Uncertain significance. Last evaluated: 2023-04-05. Review status: criteria provided, single submitter. Criteria: Ambry Variant Classification Scheme 2023. Collection method: clinical testing. Allele origin: germline.

NM_006078.5(CACNG2):c.376G>A (p.Glu126Lys)

Gene: CACNG2 (calcium voltage-gated channel auxiliary subunit gamma 2; minus strand). Cytogenetic location: 22q12.3.
Variant type: single nucleotide variant.
Coding change: c.376G>A on transcript NM_006078.5 (MANE Select); coding-DNA position 376, G replaced by A.
Protein change: p.Glu126Lys; replaces glutamic acid 126 with lysine.
Molecular consequence: missense variant. On other transcripts: non-coding transcript variant (1).
Genome position (GRCh38, 1-based): chr22:36,566,413, C>T on the plus strand (G>A on the coding strand, the complement: CACNG2 is on the minus strand). VCF-style: chr22-36566413-C-T. GRCh37 (hg19) VCF-style: chr22-36962460-C-T.
Other names: c.307G>A, p.Glu103Lys (NM_001379051.1); short protein forms E103K, E126K.
Identifiers: ClinVar variation 2533278 (VCV002533278.3), dbSNP rs1021135800, ClinGen allele CA323998950.